The following is an entry in ClinVar:

NM_000277.3(PAH):c.880T>A (p.Phe294Ile)

Genes: PAH (phenylalanine hydroxylase; minus strand), LOC126861615 (CDK7 strongly-dependent group 2 enhancer GRCh37_chr12:103244689-103245888; plus strand). Cytogenetic location: 12q23.2.
Variant type: single nucleotide variant.
Coding change: c.880T>A on transcript NM_000277.3 (MANE Select); coding-DNA position 880, T replaced by A.
Protein change: p.Phe294Ile; replaces phenylalanine 294 with isoleucine.
Molecular consequence: missense variant.
Genome position (GRCh38, 1-based): chr12:102,851,719, A>T on the plus strand (T>A on the coding strand, the complement: PAH is on the minus strand). VCF-style: chr12-102851719-A-T. GRCh37 (hg19) VCF-style: chr12-103245497-A-T.
Other names: c.880T>A, p.Phe294Ile (NM_001354304.2); short protein forms F294I.
Identifiers: ClinVar variation 578020 (VCV000578020.8), dbSNP rs1565846198, ClinGen allele CA386294372.
Genomic context (GRCh38, chr12:102,851,719, plus strand): 5'-CTAGAAGGCTAAAAAATCCATTCCTTACCTGGGAAAACTGGGCAAAGCTGCGATCTGAAA[A>T]CAAGGGCACATGTCCCAACAGCTCATGGCAGATGTCACTGAAAGACAGAAAGCACAGAGA-3'
Protein context (NP_000268.1, residues 284-304): CHELLGHVPL[Phe294Ile]SDRSFAQFSQ

ClinVar aggregate classification (germline): Uncertain significance. Review status: criteria provided, multiple submitters, no conflicts (2 of 4 stars). 2 submissions from 2 submitters: Uncertain significance (2). Last evaluated 2023-06-30.

Conditions:
Phenylketonuria (PKU). Also called: OLIGOPHRENIA PHENYLPYRUVICA; Phenylketonurias; FOLLING DISEASE; Phenylketonuria (PKU). Identifiers: Orphanet 716, MedGen C0031485, MONDO:0009861, OMIM 261600. Disease mechanism: loss of function.
Inborn genetic diseases. Identifiers: MedGen C0950123, MeSH D030342.

Submissions (2):

Ambry Genetics
Classification: Uncertain significance for Inborn genetic diseases. Last evaluated: 2023-06-30. Review status: criteria provided, single submitter. Criteria: Ambry Variant Classification Scheme 2023. Collection method: clinical testing. Allele origin: germline.

Labcorp Genetics (formerly Invitae), Labcorp
Classification: Uncertain significance for Phenylketonuria. Last evaluated: 2021-08-30. Review status: criteria provided, single submitter. Criteria: Invitae Variant Classification Sherloc (09022015). Collection method: clinical testing. Allele origin: germline.
Comment: This sequence change replaces phenylalanine with isoleucine at codon 294 of the PAH protein (p.Phe294Ile). The phenylalanine residue is highly conserved and there is a small physicochemical difference between phenylalanine and isoleucine. This variant is not present in population databases (ExAC no frequency). This variant has not been reported in the literature in individuals affected with PAH-related conditions. Algorithms developed to predict the effect of missense changes on protein structure and function are either unavailable or do not agree on the potential impact of this missense change (SIFT: "Deleterious"; PolyPhen-2: "Probably Damaging"; Align-GVGD: "Class C15"). In summary, the available evidence is currently insufficient to determine the role of this variant in disease. Therefore, it has been classified as a Variant of Uncertain Significance.